The following is an entry in ClinVar:

ClinVar aggregate classification (germline): Uncertain significance (1 of 4 stars; one submission).

Conditions:
Inborn genetic diseases. Identifiers: MedGen C0950123, MeSH D030342.

gnomAD v4.1: 1 of 1,614,046 alleles (0.000062%); highest among the groups gnomAD compares: Non-Finnish European, 0.000085%; no homozygotes.

Submission:

Ambry Genetics
Classification: Uncertain significance for Inborn genetic diseases. Last evaluated: 2025-04-28. Review status: criteria provided, single submitter. Criteria: Ambry Variant Classification Scheme 2023. Collection method: clinical testing. Allele origin: germline.
Comment: The p.R406W variant (also known as c.1216A>T), located in coding exon 4 of the MBD4 gene, results from an A to T substitution at nucleotide position 1216. The arginine at codon 406 is replaced by tryptophan, an amino acid with dissimilar properties. This amino acid position is conserved. In addition, this alteration is predicted to be deleterious by in silico analysis. Based on the available evidence, the clinical significance of this variant remains unclear.

NM_001276270.2(MBD4):c.1216A>T (p.Arg406Trp)

Gene: MBD4 (methyl-CpG binding domain 4, DNA glycosylase; minus strand). Cytogenetic location: 3q21.3.
Variant type: single nucleotide variant.
Coding change: c.1216A>T on transcript NM_001276270.2 (MANE Select); coding-DNA position 1216, A replaced by T.
Protein change: p.Arg406Trp; replaces arginine 406 with tryptophan.
Molecular consequence: missense variant.
Genome position (GRCh38, 1-based): chr3:129,434,104, T>A on the plus strand (A>T on the coding strand, the complement: MBD4 is on the minus strand). VCF-style: chr3-129434104-T-A. GRCh37 (hg19) VCF-style: chr3-129152947-T-A.
Other names: c.1234A>T, p.Arg412Trp (NM_001276271.2, NM_001276272.2, NM_003925.3); c.280A>T, p.Arg94Trp (NM_001276273.2); short protein forms R94W, R412W, R406W.
Identifiers: ClinVar variation 4052219 (VCV004052219.1).